The following is an entry in ClinVar:

ClinVar aggregate classification (germline): Conflicting classifications of pathogenicity. Review status: criteria provided, conflicting classifications (1 of 4 stars). 2 submissions from 2 submitters: Uncertain significance (1); Likely benign (1). Last evaluated 2025-07-17.

Conditions:
Cardiac arrhythmia. Also called: Cardiac rhythm disease; Arrhythmia. Identifiers: MedGen C0003811, MONDO:0007263, HP:0011675.
Cardiovascular phenotype. Identifiers: MedGen CN230736.

gnomAD v4.1: 19 of 1,601,874 alleles (0.0012%); highest among the groups gnomAD compares: South Asian, 0.021%; 1 homozygote.

Submissions (2):

Color Diagnostics, LLC DBA Color Health
Classification: Uncertain significance for Cardiac arrhythmia. Last evaluated: 2025-07-17. Review status: criteria provided, single submitter. Criteria: ACMG Guidelines, 2015. Collection method: clinical testing. Allele origin: germline.
Comment: This variant is located in the 5' untranslated region of the KCNH2 gene. To our knowledge, functional studies have not been reported for this variant. This variant has not been reported in individuals affected with KCNH2-related disorders in the literature. This variant has been identified in 8/232224 chromosomes in the general population by the Genome Aggregation Database (gnomAD). The available evidence is insufficient to determine the role of this variant in disease conclusively. Therefore, this variant is classified as a Variant of Uncertain Significance.

Ambry Genetics
Classification: Likely benign for Cardiovascular phenotype. Last evaluated: 2024-11-21. Review status: criteria provided, single submitter. Criteria: Ambry Variant Classification Scheme 2023. Collection method: clinical testing. Allele origin: germline.

NM_000238.4(KCNH2):c.-1G>T

Gene: KCNH2 (potassium voltage-gated channel subfamily H member 2; minus strand). Cytogenetic location: 7q36.1.
Variant type: single nucleotide variant.
Coding change: c.-1G>T on transcript NM_000238.4 (MANE Select); 1 bases upstream of the start codon, G replaced by T.
Molecular consequence: 5 prime UTR variant. On other transcripts: non-coding transcript variant (1).
Genome position (GRCh38, 1-based): chr7:150,977,914, C>A on the plus strand (G>T on the coding strand, the complement: KCNH2 is on the minus strand). VCF-style: chr7-150977914-C-A. GRCh37 (hg19) VCF-style: chr7-150675002-C-A.
Other names: c.-1G>T (NM_172056.3).
Identifiers: ClinVar variation 3532318 (VCV003532318.2).
Genomic context (GRCh38, chr7:150,977,914, plus strand): 5'-GCGGATGATGGTGTCCAGGAAGGTGTTCTGCGGCGCGACGTGGCCCCTCCGCACCGGCAT[C>A]CTGAGCCCATGGGCGGGCCGGGCGGGCCCCCACCCACCCCGGCCCGGCCCGGCCCAGCAC-3'